The following is an entry in ClinVar:

NM_000266.4(NDP):c.170del (p.Ser56_Ser57insTer)

Genes: NDP (norrin cystine knot growth factor NDP; minus strand), NDP-AS1 (NDP antisense RNA 1; plus strand). Cytogenetic location: Xp11.3.
Variant type: Deletion.
Coding change: c.170del on transcript NM_000266.4 (MANE Select); coding-DNA position 170, one base deleted (C; older notation c.170delC).
Protein change: p.Ser56_Ser57insTer.
Molecular consequence: nonsense.
Genome position (GRCh38, 1-based): chrX:43,958,476, G deleted on the plus strand (C on the coding strand, the reverse complement: NDP is on the minus strand). VCF-style (leftmost placement, unchanged base first): chrX-43958475-TG-T. GRCh37 (hg19) VCF-style: chrX-43817721-TG-T.
Identifiers: ClinVar variation 3026667 (VCV003026667.22), dbSNP rs2519320436, ClinGen allele CA2740092114.

ClinVar aggregate classification (germline): Likely pathogenic (1 of 4 stars; one submission).

Submission:

CeGaT Center for Human Genetics Tuebingen
Classification: Likely pathogenic. Last evaluated: 2023-12-01. Review status: criteria provided, single submitter. Criteria: CeGaT Center For Human Genetics Tuebingen Variant Classification Criteria Version 2. Collection method: clinical testing. Allele origin: germline. Affected: yes. Observed: 1 variant allele.
Comment: NDP: PVS1:Strong, PM2